The following is an entry in ClinVar:

ClinVar aggregate classification (germline): Likely pathogenic (1 of 4 stars; one submission).

gnomAD v4.1: 1 of 1,614,018 alleles (0.000062%); highest among the groups gnomAD compares: Non-Finnish European, 0.000085%; no homozygotes.

Submission:

Labcorp Genetics (formerly Invitae), Labcorp
Classification: Likely pathogenic. Last evaluated: 2023-05-13. Review status: criteria provided, single submitter. Criteria: Invitae Variant Classification Sherloc (09022015). Collection method: clinical testing. Allele origin: germline.
Comment: This variant has not been reported in the literature in individuals affected with ABCA12-related conditions. This variant is not present in population databases (gnomAD no frequency). This sequence change affects a donor splice site in intron 34 of the ABCA12 gene. It is expected to disrupt RNA splicing. Variants that disrupt the donor or acceptor splice site typically lead to a loss of protein function (PMID: 16199547), and loss-of-function variants in ABCA12 are known to be pathogenic (PMID: 20672373). Algorithms developed to predict the effect of sequence changes on RNA splicing suggest that this variant may disrupt the consensus splice site. In summary, the currently available evidence indicates that the variant is pathogenic, but additional data are needed to prove that conclusively. Therefore, this variant has been classified as Likely Pathogenic.

Literature cited by the submitters: PubMed 16199547; PubMed 20672373.

NM_173076.3(ABCA12):c.5381+1G>T

Gene: ABCA12 (ATP binding cassette subfamily A member 12; minus strand). Cytogenetic location: 2q35.
Variant type: single nucleotide variant.
Coding change: c.5381+1G>T on transcript NM_173076.3 (MANE Select); the canonical splice donor site of the intron after coding-DNA position 5381, G replaced by T.
Molecular consequence: splice donor variant.
Genome position (GRCh38, 1-based): chr2:214,975,784, C>A on the plus strand (G>T on the coding strand, the complement: ABCA12 is on the minus strand). VCF-style: chr2-214975784-C-A. GRCh37 (hg19) VCF-style: chr2-215840508-C-A.
Other names: c.4427+1G>T (NM_015657.4).
Identifiers: ClinVar variation 2863933 (VCV002863933.3), dbSNP rs1553523037, ClinGen allele CA350456673.
Genomic context (GRCh38, chr2:214,975,784, plus strand): 5'-TACAACCACACTCCTGGAAGCATTTTGGAAACATTCTTTTAGTTAACAGAAAGAAACTTA[C>A]GCATAGAAGGCTGTCTGTTCGGAGGTACCATAAAGAGAGGGGGAGATCTGAATCTCTGGA-3'